The following is an entry in ClinVar:

NM_001130082.3(PLXNB1):c.5796C>T (p.Phe1932=)

Gene: PLXNB1 (plexin B1; minus strand). Cytogenetic location: 3p21.31.
Variant type: single nucleotide variant.
Coding change: c.5796C>T on transcript NM_001130082.3 (MANE Select); coding-DNA position 5796, C replaced by T.
Protein change: p.Phe1932=; no amino-acid change (phenylalanine 1932 retained).
Molecular consequence: synonymous variant.
Genome position (GRCh38, 1-based): chr3:48,409,714, G>A on the plus strand (C>T on the coding strand, the complement: PLXNB1 is on the minus strand). VCF-style: chr3-48409714-G-A. GRCh37 (hg19) VCF-style: chr3-48451122-G-A.
Other names: c.5796C>T, p.Phe1932= (NM_002673.6).
Identifiers: ClinVar variation 785050 (VCV000785050.6), dbSNP rs79922382, ClinGen allele CA2373818.

ClinVar aggregate classification (germline): Benign. Review status: criteria provided, multiple submitters, no conflicts (2 of 4 stars). 3 submissions from 3 submitters: Benign (2). 1 of the submissions does not count toward it. Last evaluated 2018-07-06.

Conditions:
PLXNB1-related disorder. Also called: PLXNB1-related condition.

Allele frequency attached by ClinVar (database versions not stated): 1000 Genomes Project 0.01298; TOPMed 0.01320; ESP Exome Variant Server 0.01399; 1000 Genomes Project 30x 0.01546.
gnomAD v4.1: 3,519 of 1,613,646 alleles (0.22%); highest among the groups gnomAD compares: African/African-American, 4.2%; 63 homozygotes.

Submissions (3):

Labcorp Genetics (formerly Invitae), Labcorp
Classification: Benign. Last evaluated: 2018-07-06. Review status: criteria provided, single submitter. Criteria: Invitae Variant Classification Sherloc (09022015). Collection method: clinical testing. Allele origin: germline.

Breakthrough Genomics
Classification: Benign. Review status: criteria provided, single submitter. Criteria: ACMG Guidelines, 2015. Collection method: not provided. Allele origin: germline. Inheritance: Unknown mechanism. Affected: yes.

PreventionGenetics, part of Exact Sciences
Classification: Benign for PLXNB1-related condition. Last evaluated: 2019-02-22. Review status: no assertion criteria provided. Collection method: clinical testing. Allele origin: germline. Not counted in ClinVar's aggregate classification.
Comment: This variant is classified as benign based on ACMG/AMP sequence variant interpretation guidelines (Richards et al. 2015 PMID: 25741868, with internal and published modifications).